The following is an entry in ClinVar:

ClinVar aggregate classification (germline): Pathogenic. Review status: criteria provided, multiple submitters, no conflicts (2 of 4 stars). 2 submissions from 2 submitters: Pathogenic (2). Last evaluated 2025-06-25.

Conditions:
Hereditary cancer-predisposing syndrome. Also called: Hereditary Cancer Syndrome; Hereditary neoplastic syndrome; Neoplastic Syndromes, Hereditary; Tumor predisposition. Identifiers: Orphanet 140162, MedGen C0027672, MeSH D009386, MONDO:0015356.
Familial cancer of breast. Also called: BREAST CANCER, FAMILIAL; Hereditary breast cancer; hereditary breast carcinoma. Identifiers: Orphanet 227535, MedGen C0346153, MONDO:0016419, OMIM 114480. Disease mechanism: loss of function.

Submissions (2):

Ambry Genetics
Classification: Pathogenic for Hereditary cancer-predisposing syndrome. Last evaluated: 2025-06-25. Review status: criteria provided, single submitter. Criteria: Ambry Variant Classification Scheme 2023. Collection method: clinical testing. Allele origin: germline.
Comment: The c.2876_2877dupTA pathogenic mutation, located in coding exon 9 of the PALB2 gene, results from a duplication of TA at nucleotide positions 2876 to 2877, causing a translational frameshift with a predicted alternate stop codon (p.L960Yfs*3). This variant is considered to be rare based on population cohorts in the Genome Aggregation Database (gnomAD). This alteration is expected to result in loss of function by premature protein truncation or nonsense-mediated mRNA decay. As such, this alteration is interpreted as a disease-causing mutation.

Labcorp Genetics (formerly Invitae), Labcorp
Classification: Pathogenic for Familial cancer of breast. Last evaluated: 2025-03-19. Review status: criteria provided, single submitter. Criteria: Invitae Variant Classification Sherloc (09022015). Collection method: clinical testing. Allele origin: germline.
Comment: This sequence change creates a premature translational stop signal (p.Leu960Tyrfs*3) in the PALB2 gene. It is expected to result in an absent or disrupted protein product. Loss-of-function variants in PALB2 are known to be pathogenic (PMID: 17200668, 17200671, 17200672, 24136930, 25099575). This variant is not present in population databases (gnomAD no frequency). This variant has not been reported in the literature in individuals affected with PALB2-related conditions. ClinVar contains an entry for this variant (Variation ID: 1451805). For these reasons, this variant has been classified as Pathogenic.

Literature cited by the submitters: PubMed 17200668 (cited by Labcorp Genetics (formerly Invitae), Labcorp); PubMed 17200671 (cited by Labcorp Genetics (formerly Invitae), Labcorp); PubMed 17200672 (cited by Labcorp Genetics (formerly Invitae), Labcorp); PubMed 24136930 (cited by Labcorp Genetics (formerly Invitae), Labcorp); PubMed 25099575 (cited by Labcorp Genetics (formerly Invitae), Labcorp).

NM_024675.4(PALB2):c.2876_2877dup (p.Leu960fs)

Gene: PALB2 (partner and localizer of BRCA2; minus strand). Cytogenetic location: 16p12.2.
Variant type: Duplication.
Coding change: c.2876_2877dup on transcript NM_024675.4 (MANE Select); coding-DNA positions 2876 to 2877, 2 bases duplicated (TA; older notation c.2876_2877dupTA).
Protein change: p.Leu960fs; shifts the reading frame from leucine 960.
Molecular consequence: frameshift variant.
Genome position (GRCh38, 1-based): chr16:23,623,088-23,623,089, TA duplicated on the plus strand (TA on the coding strand, the reverse complement: PALB2 is on the minus strand). VCF-style (leftmost placement, unchanged base first): chr16-23623087-G-GTA. GRCh37 (hg19) VCF-style: chr16-23634408-G-GTA.
Other names: c.2876_2877dupTA (NM_024675.3); short protein forms L960fs.
Identifiers: ClinVar variation 1451805 (VCV001451805.8), dbSNP rs2142337034, ClinGen allele CA2573152164.